The following is an entry in ClinVar:

ClinVar aggregate classification (germline): Likely benign. Review status: criteria provided, multiple submitters, no conflicts (2 of 4 stars). 2 submissions from 2 submitters: Likely benign (2). Last evaluated 2022-07-11.

Conditions:
Ataxia-telangiectasia-like disorder (ATLD). Identifiers: MedGen C1858391, MONDO:0011457.

Allele frequency attached by ClinVar (database versions not stated): gnomAD 0.00001.
gnomAD v4.1: 1 of 1,593,686 alleles (0.000063%); highest among the groups gnomAD compares: Non-Finnish European, 0.000086%; no homozygotes.

Submissions (2):

Women's Health and Genetics/Laboratory Corporation of America, LabCorp
Classification: Likely benign. Last evaluated: 2022-07-11. Review status: criteria provided, single submitter. Criteria: LabCorp Variant Classification Summary - May 2015. Collection method: clinical testing. Allele origin: germline.
Comment: Variant summary: MRE11 c.1098+10A>G alters a non-conserved nucleotide located close to a canonical splice site and therefore could affect mRNA splicing, leading to a significantly altered protein sequence. 4/4 computational tools predict no significant impact on normal splicing. However, these predictions have yet to be confirmed by functional studies. The variant was absent in 251322 control chromosomes. The available data on variant occurrences in the general population are insufficient to allow any conclusion about variant significance. To our knowledge, no occurrence of c.1098+10A>G in individuals affected with Hereditary Breast And Ovarian Cancer Syndrome and no experimental evidence demonstrating its impact on protein function have been reported. One clinical diagnostic laboratory has submitted clinical-significance assessments for this variant to ClinVar after 2014 without evidence for independent evaluation and classified the variant as likely benign. Based on the evidence outlined above, the variant was classified as likely benign.

Labcorp Genetics (formerly Invitae), Labcorp
Classification: Likely benign for Ataxia-telangiectasia-like disorder. Last evaluated: 2019-05-10. Review status: criteria provided, single submitter. Criteria: Invitae Variant Classification Sherloc (09022015). Collection method: clinical testing. Allele origin: germline.

NM_005591.4(MRE11):c.1098+10A>G

Gene: MRE11 (MRE11 double strand break repair nuclease; minus strand). Cytogenetic location: 11q21.
Variant type: single nucleotide variant.
Coding change: c.1098+10A>G on transcript NM_005591.4 (MANE Select); 10 bases into the intron after coding-DNA position 1098, A replaced by G.
Molecular consequence: intron variant.
Genome position (GRCh38, 1-based): chr11:94,467,803, T>C on the plus strand (A>G on the coding strand, the complement: MRE11 is on the minus strand). VCF-style: chr11-94467803-T-C. GRCh37 (hg19) VCF-style: chr11-94200969-T-C.
Other names: c.1098+10A>G (NM_001330347.2, NM_005590.4).
Identifiers: ClinVar variation 1088443 (VCV001088443.10), dbSNP rs1946604458, ClinGen allele CA476283192.